The following is an entry in ClinVar:

ClinVar aggregate classification (germline): Uncertain significance (1 of 4 stars; one submission).

Conditions:
Glycogen storage disease type III (GSD3). Also called: Cori disease; FORBES DISEASE. Identifiers: Orphanet 366, MedGen C0017922, MONDO:0009291, OMIM 232400.

Submission:

Labcorp Genetics (formerly Invitae), Labcorp
Classification: Uncertain significance for Glycogen storage disease type III. Last evaluated: 2021-12-10. Review status: criteria provided, single submitter. Criteria: Invitae Variant Classification Sherloc (09022015). Collection method: clinical testing. Allele origin: germline.
Comment: In summary, the available evidence is currently insufficient to determine the role of this variant in disease. Therefore, it has been classified as a Variant of Uncertain Significance. Algorithms developed to predict the effect of missense changes on protein structure and function are either unavailable or do not agree on the potential impact of this missense change (SIFT: "Deleterious"; PolyPhen-2: "Probably Damaging"; Align-GVGD: "Class C0"). ClinVar contains an entry for this variant (Variation ID: 1006749). This variant has not been reported in the literature in individuals affected with AGL-related conditions. This variant is not present in population databases (gnomAD no frequency). This sequence change replaces methionine, which is neutral and non-polar, with isoleucine, which is neutral and non-polar, at codon 1263 of the AGL protein (p.Met1263Ile).

NM_000642.3(AGL):c.3789G>T (p.Met1263Ile)

Gene: AGL (amylo-alpha-1,6-glucosidase and 4-alpha-glucanotransferase; plus strand). Cytogenetic location: 1p21.2.
Variant type: single nucleotide variant.
Coding change: c.3789G>T on transcript NM_000642.3 (MANE Select); coding-DNA position 3789, G replaced by T.
Protein change: p.Met1263Ile; replaces methionine 1263 with isoleucine.
Molecular consequence: missense variant.
Genome position (GRCh38, 1-based): chr1:99,910,800, G>T. VCF-style: chr1-99910800-G-T. GRCh37 (hg19) VCF-style: chr1-100376356-G-T.
Other names: c.3789G>T, p.Met1263Ile (NM_000028.3, NM_000643.3, NM_000644.3 and 1 more transcripts); c.3741G>T, p.Met1247Ile (NM_000646.3); c.3768G>T, p.Met1256Ile (NM_001425326.1); c.3588G>T, p.Met1196Ile (NM_001425327.1); c.3585G>T, p.Met1195Ile (NM_001425328.1); c.3450G>T, p.Met1150Ile (NM_001425329.1); c.3411G>T, p.Met1137Ile (NM_001425332.1); short protein forms M1247I, M1263I, M1137I, M1150I, M1195I, M1196I, M1256I.
Identifiers: ClinVar variation 1006749 (VCV001006749.7), dbSNP rs1654694671, ClinGen allele CA341337879.